The following is an entry in ClinVar:

ClinVar aggregate classification (germline): Uncertain significance (1 of 4 stars; one submission).

Submission:

Laboratory for Molecular Medicine, Mass General Brigham Personalized Medicine
Classification: Uncertain significance. Last evaluated: 2016-03-28. Review status: criteria provided, single submitter. Criteria: LMM Criteria. Collection method: clinical testing. Allele origin: germline.
Comment: Variant identified in a genome or exome case(s) and assessed due to predicted null impact of the variant or pathogenic assertions in the literature or databases. Disclaimer: This variant has not undergone full assessment. The following are preliminary notes: Not reported in any probands; LOF not established disease mechanism for gene; Absent from ExAC

NM_001018005.2(TPM1):c.563_563+1insCCAA

Gene: TPM1 (tropomyosin 1; plus strand). Cytogenetic location: 15q22.2.
Variant type: Insertion.
Coding change: c.563_563+1insCCAA on transcript NM_001018005.2 (MANE Select); coding-DNA position 563 through the canonical splice donor site of the intron after coding-DNA position 563, CCAA inserted.
Molecular consequence: splice donor variant.
Genome position: GRCh38 VCF-style: chr15-63060939-G-GCCAA. GRCh37 (hg19) VCF-style: chr15-63353138-G-GCCAA.
Other names: c.689_689+1insCCAA (NM_001365778.1); c.563_563+1insCCAA (NM_001018020.2, NM_001018007.2, NM_001018006.2 and 6 more transcripts); c.455_455+1insCCAA (NM_001330351.2, NM_001330344.2, NM_001018008.2 and 5 more transcripts).
Identifiers: ClinVar variation 403560 (VCV000403560.4), dbSNP rs1060499914, ClinGen allele CA16609771.